The following is an entry in ClinVar:

ClinVar aggregate classification (germline): Conflicting classifications of pathogenicity. Review status: criteria provided, conflicting classifications (1 of 4 stars). 2 submissions from 2 submitters: Uncertain significance (1); Likely benign (1). Last evaluated 2025-08-04.

Allele frequency attached by ClinVar (database versions not stated): gnomAD 0.00001 and 0.00011; TOPMed 0.00002; gnomAD exomes 0.00013 and 0.00025; ExAC 0.00028; 1000 Genomes Project 30x 0.00031; 1000 Genomes Project 0.00040.
gnomAD v4.1: 207 of 1,613,816 alleles (0.013%); highest among the groups gnomAD compares: South Asian, 0.21%; 1 homozygote.

Submissions (2):

Labcorp Genetics (formerly Invitae), Labcorp
Classification: Likely benign. Last evaluated: 2025-08-04. Review status: criteria provided, single submitter. Criteria: Invitae Variant Classification Sherloc (09022015). Collection method: clinical testing. Allele origin: germline.

Mayo Clinic Laboratories, Mayo Clinic
Classification: Uncertain significance. Last evaluated: 2024-12-23. Review status: criteria provided, single submitter. Criteria: ACMG Guidelines, 2015. Collection method: clinical testing. Allele origin: germline. Observed: 1 variant allele.
Comment: BP4_moderate

NM_020247.5(COQ8A):c.25A>G (p.Ile9Val)

Gene: COQ8A (coenzyme Q8A; plus strand). Cytogenetic location: 1q42.13.
Variant type: single nucleotide variant.
Coding change: c.25A>G on transcript NM_020247.5 (MANE Select); coding-DNA position 25, A replaced by G.
Protein change: p.Ile9Val; replaces isoleucine 9 with valine.
Molecular consequence: missense variant.
Genome position (GRCh38, 1-based): chr1:226,961,410, A>G. VCF-style: chr1-226961410-A-G. GRCh37 (hg19) VCF-style: chr1-227149111-A-G.
Other names: p.Ile9Val; short protein forms I9V.
Identifiers: ClinVar variation 1552119 (VCV001552119.9), dbSNP rs529609184, ClinGen allele CA1424908.